The following is an entry in ClinVar:

NM_001844.5(COL2A1):c.4075-1G>C

Gene: COL2A1 (collagen type II alpha 1 chain; minus strand). Cytogenetic location: 12q13.11.
Variant type: single nucleotide variant.
Coding change: c.4075-1G>C on transcript NM_001844.5 (MANE Select); the canonical splice acceptor site of the intron before coding-DNA position 4075, G replaced by C.
Molecular consequence: splice acceptor variant.
Genome position (GRCh38, 1-based): chr12:47,974,332, C>G on the plus strand (G>C on the coding strand, the complement: COL2A1 is on the minus strand). VCF-style: chr12-47974332-C-G. GRCh37 (hg19) VCF-style: chr12-48368115-C-G.
Other names: c.3868-1G>C (NM_033150.3).
Identifiers: ClinVar variation 1297542 (VCV001297542.6), dbSNP rs2136506437, ClinGen allele CA384534026.

ClinVar aggregate classification (germline): Likely pathogenic. Review status: criteria provided, multiple submitters, no conflicts (2 of 4 stars). 4 submissions from 4 submitters: Likely pathogenic (2). 2 of the submissions do not count toward it. Last evaluated 2024-03-26.

Conditions:
COL2A1-related disorder. Also called: COL2A1-related condition; COL2A1-related disorders.

Submissions (4):

Labcorp Genetics (formerly Invitae), Labcorp
Classification: Likely pathogenic. Last evaluated: 2024-03-26. Review status: criteria provided, single submitter. Criteria: Invitae Variant Classification Sherloc (09022015). Collection method: clinical testing. Allele origin: germline.
Comment: This sequence change affects an acceptor splice site in intron 52 of the COL2A1 gene. It is expected to disrupt RNA splicing. Variants that disrupt the donor or acceptor splice site typically lead to a loss of protein function (PMID: 16199547), and loss-of-function variants in COL2A1 are known to be pathogenic (PMID: 20179744). This variant is not present in population databases (gnomAD no frequency). Disruption of this splice site has been observed in individual(s) with clinical features of Stickler syndrome (Invitae). ClinVar contains an entry for this variant (Variation ID: 1297542). Algorithms developed to predict the effect of sequence changes on RNA splicing suggest that this variant may disrupt the consensus splice site. In summary, the currently available evidence indicates that the variant is pathogenic, but additional data are needed to prove that conclusively. Therefore, this variant has been classified as Likely Pathogenic.

Blueprint Genetics
Classification: Likely pathogenic for COL2A1-related disorders. Last evaluated: 2019-09-24. Review status: criteria provided, single submitter. Criteria: ACMG Guidelines, 2015. Collection method: clinical testing. Allele origin: germline. Affected: yes. Observed: 1 variant allele.

Clinical Genetics DNA and cytogenetics Diagnostics Lab, Erasmus MC, Erasmus Medical Center
Classification: Pathogenic. Review status: no assertion criteria provided. Collection method: clinical testing. Allele origin: germline. Affected: yes. Study: VKGL Data-share Consensus. Not counted in ClinVar's aggregate classification.

Joint Genome Diagnostic Labs from Nijmegen and Maastricht, Radboudumc and MUMC+
Classification: Pathogenic. Review status: no assertion criteria provided. Collection method: clinical testing. Allele origin: germline. Affected: yes. Study: VKGL Data-share Consensus. Not counted in ClinVar's aggregate classification.

Literature cited by the submitters: PubMed 16199547 (cited by Labcorp Genetics (formerly Invitae), Labcorp); PubMed 20179744 (cited by Labcorp Genetics (formerly Invitae), Labcorp).